The following is an entry in ClinVar:

ClinVar aggregate classification (germline): Uncertain significance (1 of 4 stars; one submission).

Allele frequency attached by ClinVar (database versions not stated): TOPMed below 0.00001.
gnomAD v4.1: 6 of 1,552,100 alleles (0.00039%); highest among the groups gnomAD compares: East Asian, 0.0049%; no homozygotes.

Submission:

Greenwood Genetic Center Diagnostic Laboratories, Greenwood Genetic Center
Classification: Uncertain significance. Last evaluated: 2023-07-20. Review status: criteria provided, single submitter. Criteria: ACMG Guidelines, 2015. Collection method: clinical testing. Allele origin: germline. Affected: yes.
Comment: PM2

NM_014159.7(SETD2):c.1352C>T (p.Thr451Ile)

Gene: SETD2 (SET domain containing 2, histone lysine methyltransferase; minus strand). Cytogenetic location: 3p21.31.
Variant type: single nucleotide variant.
Coding change: c.1352C>T on transcript NM_014159.7 (MANE Select); coding-DNA position 1352, C replaced by T.
Protein change: p.Thr451Ile; replaces threonine 451 with isoleucine.
Molecular consequence: missense variant. On other transcripts: non-coding transcript variant (1).
Genome position (GRCh38, 1-based): chr3:47,123,284, G>A on the plus strand (C>T on the coding strand, the complement: SETD2 is on the minus strand). VCF-style: chr3-47123284-G-A. GRCh37 (hg19) VCF-style: chr3-47164774-G-A.
Other names: c.1220C>T, p.Thr407Ile (NM_001349370.3); short protein forms T407I, T451I.
Identifiers: ClinVar variation 2626996 (VCV002626996.1), dbSNP rs202016239, ClinGen allele CA352531066.